The following is an entry in ClinVar:

ClinVar aggregate classification (germline): Uncertain significance. Review status: criteria provided, multiple submitters, no conflicts (2 of 4 stars). 2 submissions from 2 submitters: Uncertain significance (2). Last evaluated 2022-08-05.

Allele frequency attached by ClinVar (database versions not stated): gnomAD exomes below 0.00001; TOPMed 0.00001; gnomAD 0.00002.
gnomAD v4.1: 7 of 1,522,208 alleles (0.00046%); highest among the groups gnomAD compares: Non-Finnish European, 0.00062%; no homozygotes.

Submissions (2):

Labcorp Genetics (formerly Invitae), Labcorp
Classification: Uncertain significance. Last evaluated: 2022-08-05. Review status: criteria provided, single submitter. Criteria: Invitae Variant Classification Sherloc (09022015). Collection method: clinical testing. Allele origin: germline.
Comment: This sequence change replaces cysteine, which is neutral and slightly polar, with phenylalanine, which is neutral and non-polar, at codon 1982 of the EYS protein (p.Cys1982Phe). This variant is present in population databases (no rsID available, gnomAD 0.002%). This variant has not been reported in the literature in individuals affected with EYS-related conditions. Algorithms developed to predict the effect of missense changes on protein structure and function are either unavailable or do not agree on the potential impact of this missense change (SIFT: "Tolerated"; PolyPhen-2: "Probably Damaging"; Align-GVGD: "Class C0"). In summary, the available evidence is currently insufficient to determine the role of this variant in disease. Therefore, it has been classified as a Variant of Uncertain Significance.

Blueprint Genetics
Classification: Uncertain significance. Last evaluated: 2019-07-24. Review status: criteria provided, single submitter. Criteria: ACMG Guidelines, 2015. Collection method: clinical testing. Allele origin: germline.

NM_001142800.2(EYS):c.5945G>T (p.Cys1982Phe)

Gene: EYS (EGF-like photoreceptor maintenance factor; minus strand). Cytogenetic location: 6q12.
Variant type: single nucleotide variant.
Coding change: c.5945G>T on transcript NM_001142800.2 (MANE Select); coding-DNA position 5945, G replaced by T.
Protein change: p.Cys1982Phe; replaces cysteine 1982 with phenylalanine.
Molecular consequence: missense variant.
Genome position (GRCh38, 1-based): chr6:64,388,823, C>A on the plus strand (G>T on the coding strand, the complement: EYS is on the minus strand). VCF-style: chr6-64388823-C-A. GRCh37 (hg19) VCF-style: chr6-65098716-C-A.
Other names: c.5945G>T, p.Cys1982Phe (NM_001292009.2); short protein forms C1982F.
Identifiers: ClinVar variation 2172588 (VCV002172588.2), dbSNP rs1208956495, ClinGen allele CA364392217.